The following is an entry in ClinVar:

ClinVar aggregate classification (germline): Uncertain significance. Review status: criteria provided, multiple submitters, no conflicts (2 of 4 stars). 3 submissions from 3 submitters: Uncertain significance (3). Last evaluated 2024-07-14.

Conditions:
Bardet-Biedl syndrome 16 (BBS16). Identifiers: Orphanet 110, MedGen C3889474, MONDO:0014444, OMIM 615993.
Senior-Loken syndrome 7 (SLSN7). Identifiers: Orphanet 3156, MedGen C3150877, MONDO:0013326, OMIM 613615.
Inborn genetic diseases. Identifiers: MedGen C0950123, MeSH D030342.

Allele frequency attached by ClinVar (database versions not stated): gnomAD exomes below 0.00001; ExAC 0.00001.
gnomAD v4.1: 1 of 1,569,116 alleles (0.000064%); highest among the groups gnomAD compares: Admixed American, 0.0017%; no homozygotes.

Submissions (3):

Ambry Genetics
Classification: Uncertain significance for Inborn genetic diseases. Last evaluated: 2024-07-14. Review status: criteria provided, single submitter. Criteria: Ambry Variant Classification Scheme 2023. Collection method: clinical testing. Allele origin: germline.

Fulgent Genetics
Classification: Uncertain significance for Senior-Loken syndrome 7; Bardet-Biedl syndrome 16. Last evaluated: 2024-02-07. Review status: criteria provided, single submitter. Criteria: ACMG Guidelines, 2015. Collection method: clinical testing. Allele origin: germline.

Labcorp Genetics (formerly Invitae), Labcorp
Classification: Uncertain significance for Bardet-Biedl syndrome 16; Senior-Loken syndrome 7. Last evaluated: 2023-10-03. Review status: criteria provided, single submitter. Criteria: Invitae Variant Classification Sherloc (09022015). Collection method: clinical testing. Allele origin: germline.
Comment: This sequence change replaces leucine, which is neutral and non-polar, with proline, which is neutral and non-polar, at codon 228 of the SDCCAG8 protein (p.Leu228Pro). This variant is present in population databases (rs776422346, gnomAD 0.003%). This variant has not been reported in the literature in individuals affected with SDCCAG8-related conditions. ClinVar contains an entry for this variant (Variation ID: 1384396). Advanced modeling of protein sequence and biophysical properties (such as structural, functional, and spatial information, amino acid conservation, physicochemical variation, residue mobility, and thermodynamic stability) performed at Invitae indicates that this missense variant is not expected to disrupt SDCCAG8 protein function. In summary, the available evidence is currently insufficient to determine the role of this variant in disease. Therefore, it has been classified as a Variant of Uncertain Significance.

NM_006642.5(SDCCAG8):c.683T>C (p.Leu228Pro)

Gene: SDCCAG8 (SHH signaling and ciliogenesis regulator SDCCAG8; plus strand). Cytogenetic location: 1q43.
Variant type: single nucleotide variant.
Coding change: c.683T>C on transcript NM_006642.5 (MANE Select); coding-DNA position 683, T replaced by C.
Protein change: p.Leu228Pro; replaces leucine 228 with proline.
Molecular consequence: missense variant. On other transcripts: 5 prime UTR variant (3).
Genome position (GRCh38, 1-based): chr1:243,304,720, T>C. VCF-style: chr1-243304720-T-C. GRCh37 (hg19) VCF-style: chr1-243468022-T-C.
Other names: c.683T>C (NM_006642.3); c.-430T>C (NM_001350246.2); c.-318T>C (NM_001350247.2); c.779T>C, p.Leu260Pro (NM_001350248.2); c.389T>C, p.Leu130Pro (NM_001350249.2); c.-595T>C (NM_001350251.2); short protein forms L130P, L260P, L228P.
Identifiers: ClinVar variation 1384396 (VCV001384396.8), dbSNP rs776422346, ClinGen allele CA1483403.